The following is an entry in ClinVar:

NM_000521.4(HEXB):c.893G>A (p.Trp298Ter)

Gene: HEXB (hexosaminidase subunit beta; plus strand). Cytogenetic location: 5q13.3.
Variant type: single nucleotide variant.
Coding change: c.893G>A on transcript NM_000521.4 (MANE Select); coding-DNA position 893, G replaced by A.
Protein change: p.Trp298Ter; replaces tryptophan 298 with a stop codon.
Molecular consequence: nonsense.
Genome position (GRCh38, 1-based): chr5:74,713,627, G>A. VCF-style: chr5-74713627-G-A. GRCh37 (hg19) VCF-style: chr5-74009452-G-A.
Other names: c.218G>A, p.Trp73Ter (NM_001292004.2); short protein forms W298*, W73*.
Identifiers: ClinVar variation 2814090 (VCV002814090.3), dbSNP rs2478752819, ClinGen allele CA360067208.

ClinVar aggregate classification (germline): Pathogenic (1 of 4 stars; one submission).

Conditions:
Sandhoff disease. Also called: GM2-GANGLIOSIDOSIS, TYPE II; HEXOSAMINIDASES A AND B DEFICIENCY; Beta-hexosaminidase-beta-subunit deficiency; GM2 gangliosidosis, type 2; Total hexosaminidase deficiency; Sandhoff-Jatzkewitz-Pilz disease. Identifiers: Orphanet 796, MedGen C0036161, MONDO:0010006, OMIM 268800.

Submission:

Labcorp Genetics (formerly Invitae), Labcorp
Classification: Pathogenic for Sandhoff disease. Last evaluated: 2022-11-20. Review status: criteria provided, single submitter. Criteria: Invitae Variant Classification Sherloc (09022015). Collection method: clinical testing. Allele origin: germline.
Comment: This sequence change creates a premature translational stop signal (p.Trp298*) in the HEXB gene. It is expected to result in an absent or disrupted protein product. Loss-of-function variants in HEXB are known to be pathogenic (PMID: 7550345, 18758829). This variant is not present in population databases (gnomAD no frequency). This variant has not been reported in the literature in individuals affected with HEXB-related conditions. For these reasons, this variant has been classified as Pathogenic.

Literature cited by the submitters: PubMed 7550345; PubMed 18758829.